The following is an entry in ClinVar:

ClinVar aggregate classification (germline): Pathogenic. Review status: criteria provided, multiple submitters, no conflicts (2 of 4 stars). 2 submissions from 2 submitters: Pathogenic (2). Last evaluated 2024-07-31.

Conditions:
Osteogenesis imperfecta type I (OI1). Also called: Lobstein's Disease; Lobstein disease; Classic Non-deforming Osteogenesis Imperfecta with Blue Sclerae; OI, TYPE I; OSTEOGENESIS IMPERFECTA TARDA; OSTEOGENESIS IMPERFECTA WITH BLUE SCLERAE. Identifiers: Orphanet 216796, Orphanet 666, MedGen C0023931, MONDO:0008146, OMIM 166200. Disease mechanism: loss of function.

Submissions (2):

Labcorp Genetics (formerly Invitae), Labcorp
Classification: Pathogenic for Osteogenesis imperfecta type I. Last evaluated: 2024-07-31. Review status: criteria provided, single submitter. Criteria: Invitae Variant Classification Sherloc (09022015). Collection method: clinical testing. Allele origin: germline.
Comment: This sequence change replaces glycine, which is neutral and non-polar, with valine, which is neutral and non-polar, at codon 245 of the COL1A1 protein (p.Gly245Val). This variant is not present in population databases (gnomAD no frequency). This variant has not been reported in the literature in individuals affected with COL1A1-related conditions. Advanced modeling of protein sequence and biophysical properties (such as structural, functional, and spatial information, amino acid conservation, physicochemical variation, residue mobility, and thermodynamic stability) performed at Invitae indicates that this missense variant is expected to disrupt COL1A1 protein function with a positive predictive value of 95%. This variant disrupts the triple helix domain of COL1A1. Glycine residues within the Gly-Xaa-Yaa repeats of the triple helix domain are required for the structure and stability of fibrillar collagens (PMID: 7695699, 8218237, 19344236). In COL1A1, variants affecting these glycine residues are significantly enriched in individuals with disease (PMID: 9016532, 17078022) compared to the general population (ExAC). This variant disrupts the p.Gly245 amino acid residue in COL1A1. Other variant(s) that disrupt this residue have been observed in individuals with COL1A1-related conditions (PMID: 31447884, 35748117; Invitae), which suggests that this may be a clinically significant amino acid residue. For these reasons, this variant has been classified as Pathogenic.

Clinical Biomedical Laboratory, Shriners Hospital For Children - Canada
Classification: Pathogenic for Osteogenesis imperfecta type I. Review status: criteria provided, single submitter. Criteria: ACMG Guidelines, 2015. Collection method: clinical testing. Allele origin: germline. Affected: yes.
Comment: This variant is predicted to substitute a glycine residue by a valine residue in the triple helical domain of the collagen type I alpha 1 chain. The variant is absent in the Genome Aggregation Database (gnomAD v2.1.1), indicating it is very rare. Computational tools (REVEL: 0.991) suggest that the amino acid change is damaging to protein function. Glycine substitutions in the triple helical domain of the collagen type I alpha 1 chain cause disruption in the formation of the triple helix in the collagen type I molecule and are a typical cause of osteogenesis imperfecta. Based on the ACMG variant interpretation guidelines (criteria: PS3, PM2, PM5, PP2, PP3, PP4), the available evidence supports classification of this variant as pathogenic.

Literature cited by the submitters: PubMed 7695699 (cited by Labcorp Genetics (formerly Invitae), Labcorp); PubMed 8218237 (cited by Labcorp Genetics (formerly Invitae), Labcorp); PubMed 19344236 (cited by Labcorp Genetics (formerly Invitae), Labcorp); PubMed 9016532 (cited by Labcorp Genetics (formerly Invitae), Labcorp); PubMed 17078022 (cited by Labcorp Genetics (formerly Invitae), Labcorp); PubMed 31447884 (cited by Labcorp Genetics (formerly Invitae), Labcorp); PubMed 35748117 (cited by Labcorp Genetics (formerly Invitae), Labcorp).

NM_000088.4(COL1A1):c.734G>T (p.Gly245Val)

Genes: COL1A1 (collagen type I alpha 1 chain; minus strand), LOC126862586 (CDK7 strongly-dependent group 2 enhancer GRCh37_chr17:48273702-48274901; plus strand). Cytogenetic location: 17q21.33.
Variant type: single nucleotide variant.
Coding change: c.734G>T on transcript NM_000088.4 (MANE Select); coding-DNA position 734, G replaced by T.
Protein change: p.Gly245Val; replaces glycine 245 with valine.
Molecular consequence: missense variant.
Genome position (GRCh38, 1-based): chr17:50,197,196, C>A on the plus strand (G>T on the coding strand, the complement: COL1A1 is on the minus strand). VCF-style: chr17-50197196-C-A. GRCh37 (hg19) VCF-style: chr17-48274557-C-A.
Other names: short protein forms G245V.
Identifiers: ClinVar variation 3634731 (VCV003634731.2).